The following is an entry in ClinVar:

NM_001429.4(EP300):c.4372C>T (p.Pro1458Ser)

Gene: EP300 (E1A binding protein p300; plus strand). Cytogenetic location: 22q13.2.
Variant type: single nucleotide variant.
Coding change: c.4372C>T on transcript NM_001429.4 (MANE Select); coding-DNA position 4372, C replaced by T.
Protein change: p.Pro1458Ser; replaces proline 1458 with serine.
Molecular consequence: missense variant.
Genome position (GRCh38, 1-based): chr22:41,170,491, C>T. VCF-style: chr22-41170491-C-T. GRCh37 (hg19) VCF-style: chr22-41566495-C-T.
Other names: c.4294C>T, p.Pro1432Ser (NM_001362843.2); short protein forms P1432S, P1458S.
Identifiers: ClinVar variation 1343262 (VCV001343262.1), dbSNP rs1487932572, ClinGen allele CA411702223.
Genomic context (GRCh38, chr22:41,170,491, plus strand): 5'-TGTCCACCAAGTGAGGGAGATGATTATATCTTCCATTGCCATCCTCCTGACCAGAAGATA[C>T]CCAAGCCCAAGCGACTGCAGGAATGGTACAAAAAAATGCTTGACAAGGCTGTATCAGAGC-3'
Protein context (NP_001420.2, residues 1448-1468): FHCHPPDQKI[Pro1458Ser]KPKRLQEWYK

ClinVar aggregate classification (germline): Uncertain significance (1 of 4 stars; one submission).

Conditions:
Menke-Hennekam syndrome 2 (MKHK2). Identifiers: MedGen C5193035, MONDO:0020769, OMIM 618333.

Allele frequency attached by ClinVar (database versions not stated): gnomAD exomes below 0.00001.
gnomAD v4.1: 1 of 1,613,966 alleles (0.000062%); no homozygotes.

Submission:

Institute of Human Genetics, Clinical Exome/Genome Diagnostics Group, University Hospital Bonn
Classification: Uncertain significance for Menke-Hennekam syndrome 2. Last evaluated: 2021-12-09. Review status: criteria provided, single submitter. Criteria: ACMG Guidelines, 2015. Collection method: clinical testing. Allele origin: germline. Affected: yes.
Comment: PP3